The following is an entry in ClinVar:

NM_012434.5(SLC17A5):c.373C>T (p.Pro125Ser)

Gene: SLC17A5 (solute carrier family 17 member 5; minus strand). Cytogenetic location: 6q13.
Variant type: single nucleotide variant.
Coding change: c.373C>T on transcript NM_012434.5 (MANE Select); coding-DNA position 373, C replaced by T.
Protein change: p.Pro125Ser; replaces proline 125 with serine.
Molecular consequence: missense variant.
Genome position (GRCh38, 1-based): chr6:73,641,843, G>A on the plus strand (C>T on the coding strand, the complement: SLC17A5 is on the minus strand). VCF-style: chr6-73641843-G-A. GRCh37 (hg19) VCF-style: chr6-74351566-G-A.
Other names: c.373C>T, p.Pro125Ser (NM_001382633.1, NM_001382634.1, NM_001382635.1 and 2 more transcripts); c.142C>T, p.Pro48Ser (NM_001382636.1, NM_001382629.1); c.394C>T, p.Pro132Ser (NM_001382631.1); short protein forms P132S, P48S, P125S.
Identifiers: ClinVar variation 2139477 (VCV002139477.1), dbSNP rs754164697, ClinGen allele CA3890541.

ClinVar aggregate classification (germline): Uncertain significance (1 of 4 stars; one submission).

Conditions:
Salla disease (SD). Also called: Less Severe FSASD (Salla Disease); Sialuria, Finnish type; N-acetylneuraminic acid (NANA) storage disease (NSD); Infantile sialic acid storage disorder (ISSD). Identifiers: Orphanet 309334, Orphanet 834, MedGen C1096903, MONDO:0011449, OMIM 604369.

Allele frequency attached by ClinVar (database versions not stated): gnomAD exomes 0.00001; TOPMed 0.00001; gnomAD 0.00002; ExAC 0.00003.
gnomAD v4.1: 17 of 1,613,940 alleles (0.0011%); highest among the groups gnomAD compares: East Asian, 0.031%; no homozygotes.

Submission:

Labcorp Genetics (formerly Invitae), Labcorp
Classification: Uncertain significance for Salla disease. Last evaluated: 2021-09-17. Review status: criteria provided, single submitter. Criteria: Invitae Variant Classification Sherloc (09022015). Collection method: clinical testing. Allele origin: germline.
Comment: This sequence change replaces proline with serine at codon 125 of the SLC17A5 protein (p.Pro125Ser). The proline residue is highly conserved and there is a moderate physicochemical difference between proline and serine. This variant is present in population databases (rs754164697, ExAC 0.05%). This variant has not been reported in the literature in individuals with SLC17A5-related conditions. Algorithms developed to predict the effect of missense changes on protein structure and function (SIFT, PolyPhen-2, Align-GVGD) all suggest that this variant is likely to be disruptive, but these predictions have not been confirmed by published functional studies and their clinical significance is uncertain. In summary, the available evidence is currently insufficient to determine the role of this variant in disease. Therefore, it has been classified as a Variant of Uncertain Significance.